The following is an entry in ClinVar:

ClinVar aggregate classification (germline): Uncertain significance. Review status: criteria provided, multiple submitters, no conflicts (2 of 4 stars). 2 submissions from 2 submitters: Uncertain significance (2). Last evaluated 2025-09-13.

Allele frequency attached by ClinVar (database versions not stated): ExAC 0.00001; gnomAD exomes 0.00002; TOPMed 0.00003; gnomAD 0.00004.
gnomAD v4.1: 43 of 1,614,048 alleles (0.0027%); highest among the groups gnomAD compares: Non-Finnish European, 0.0034%; no homozygotes.

Submissions (2):

Labcorp Genetics (formerly Invitae), Labcorp
Classification: Uncertain significance. Last evaluated: 2025-09-13. Review status: criteria provided, single submitter. Criteria: Invitae Variant Classification Sherloc (09022015). Collection method: clinical testing. Allele origin: germline.
Comment: This sequence change replaces threonine, which is neutral and polar, with isoleucine, which is neutral and non-polar, at codon 1209 of the ADCY10 protein (p.Thr1209Ile). This variant is present in population databases (rs746288180, gnomAD 0.004%). This variant has not been reported in the literature in individuals affected with ADCY10-related conditions. ClinVar contains an entry for this variant (Variation ID: 2716716). An algorithm developed to predict the effect of missense changes on protein structure and function outputs the following: PolyPhen-2: "Benign". The isoleucine amino acid residue is found in multiple mammalian species, which suggests that this missense change does not adversely affect protein function. In summary, the available evidence is currently insufficient to determine the role of this variant in disease. Therefore, it has been classified as a Variant of Uncertain Significance.

Ambry Genetics
Classification: Uncertain significance. Last evaluated: 2025-02-25. Review status: criteria provided, single submitter. Criteria: Ambry Variant Classification Scheme 2023. Collection method: clinical testing. Allele origin: germline.

NM_018417.6(ADCY10):c.3626C>T (p.Thr1209Ile)

Gene: ADCY10 (adenylate cyclase 10; minus strand). Cytogenetic location: 1q24.2.
Variant type: single nucleotide variant.
Coding change: c.3626C>T on transcript NM_018417.6 (MANE Select); coding-DNA position 3626, C replaced by T.
Protein change: p.Thr1209Ile; replaces threonine 1209 with isoleucine.
Molecular consequence: missense variant.
Genome position (GRCh38, 1-based): chr1:167,829,391, G>A on the plus strand (C>T on the coding strand, the complement: ADCY10 is on the minus strand). VCF-style: chr1-167829391-G-A. GRCh37 (hg19) VCF-style: chr1-167798629-G-A.
Other names: c.3167C>T, p.Thr1056Ile (NM_001167749.3); c.3350C>T, p.Thr1117Ile (NM_001297772.2); c.3626C>T (NM_018417.4); short protein forms T1056I, T1117I, T1209I.
Identifiers: ClinVar variation 2716716 (VCV002716716.4), dbSNP rs746288180, ClinGen allele CA1227284.